The following is an entry in ClinVar:

NM_000283.4(PDE6B):c.145G>T (p.Asp49Tyr)

Gene: PDE6B (phosphodiesterase 6B; plus strand). Cytogenetic location: 4p16.3.
Variant type: single nucleotide variant.
Coding change: c.145G>T on transcript NM_000283.4 (MANE Select); coding-DNA position 145, G replaced by T.
Protein change: p.Asp49Tyr; replaces aspartic acid 49 with tyrosine.
Molecular consequence: missense variant.
Genome position (GRCh38, 1-based): chr4:625,771, G>T. VCF-style: chr4-625771-G-T. GRCh37 (hg19) VCF-style: chr4-619560-G-T.
Other names: p.D49Y:GAC>TAC; c.145G>T, p.Asp49Tyr (NM_001145291.2); short protein forms D49Y.
Identifiers: ClinVar variation 138644 (VCV000138644.26), dbSNP rs79826315, ClinGen allele CA292718.

ClinVar aggregate classification (germline): Benign/Likely benign. Review status: criteria provided, multiple submitters, no conflicts (2 of 4 stars). 8 submissions from 7 submitters: Benign (5); Likely benign (3). Last evaluated 2026-01-22.

Conditions:
Retinal dystrophy. Also called: Inherited retinal dystrophy. Identifiers: Orphanet 71862, MedGen C0854723, MeSH D058499, MONDO:0019118, HP:0000556.
Congenital stationary night blindness autosomal dominant 2. Also called: NIGHT BLINDNESS, CONGENITAL STATIONARY, RAMBUSCH TYPE. Identifiers: Orphanet 215, MedGen C1876182, MONDO:0008099, OMIM 163500.
Retinitis pigmentosa (RP). Identifiers: Orphanet 791, MedGen C0035334, MeSH D012174, MONDO:0019200, OMIM 268000. Inheritance: Autosomal dominant, autosomal recessive and X linked inheritance.

Allele frequency attached by ClinVar (database versions not stated): ESP Exome Variant Server 0.00023; gnomAD 0.00091 and 0.00131; TOPMed 0.00181; gnomAD exomes 0.00280; ExAC 0.00320; 1000 Genomes Project 30x 0.00547; 1000 Genomes Project 0.00579.
gnomAD v4.1: 1,626 of 1,613,498 alleles (0.1%); highest among the groups gnomAD compares: East Asian, 2.7%; 17 homozygotes.

Submissions (8):

Labcorp Genetics (formerly Invitae), Labcorp
Classification: Benign. Last evaluated: 2026-01-22. Review status: criteria provided, single submitter. Criteria: Invitae Variant Classification Sherloc (09022015). Collection method: clinical testing. Allele origin: germline.

CeGaT Center for Human Genetics Tuebingen
Classification: Benign. Last evaluated: 2025-07-01. Review status: criteria provided, single submitter. Criteria: CeGaT Center For Human Genetics Tuebingen Variant Classification Criteria Version 2. Collection method: clinical testing. Allele origin: germline. Affected: yes. Observed: 1 variant allele.
Comment: PDE6B: BS1, BS2

Dept Of Ophthalmology, Nagoya University
Classification: Benign for Retinal dystrophy. Last evaluated: 2023-10-01. Review status: criteria provided, single submitter. Criteria: Submitter's publication. Collection method: research. Allele origin: germline. Affected: yes.

ARUP Laboratories, Molecular Genetics and Genomics, ARUP Laboratories
Classification: Likely benign. Last evaluated: 2023-09-22. Review status: criteria provided, single submitter. Criteria: ARUP Molecular Germline Variant Investigation Process 2024. Collection method: clinical testing. Allele origin: germline.

Illumina Laboratory Services, Illumina
Classification: Likely benign for Retinitis pigmentosa. Last evaluated: 2018-01-13. Review status: criteria provided, single submitter. Criteria: ICSL Variant Classification Criteria 13 December 2019. Collection method: clinical testing. Allele origin: germline.
Comment: This variant was observed in the ICSL laboratory as part of a predisposition screen in an ostensibly healthy population. It had not been previously curated by ICSL or reported in the Human Gene Mutation Database (HGMD: prior to June 1st, 2018), and was therefore a candidate for classification through an automated scoring system. Utilizing variant allele frequency, disease prevalence and penetrance estimates, and inheritance mode, an automated score was calculated to assess if this variant is too frequent to cause the disease. Based on the score and internal cut-off values, a variant classified as likely benign is not then subjected to further curation. The score for this variant resulted in a classification of likely benign for this disease.

Illumina Laboratory Services, Illumina
Classification: Benign for Congenital stationary night blindness autosomal dominant 2. Last evaluated: 2018-01-13. Review status: criteria provided, single submitter. Criteria: ICSL Variant Classification Criteria 13 December 2019. Collection method: clinical testing. Allele origin: germline.
Comment: This variant was observed in the ICSL laboratory as part of a predisposition screen in an ostensibly healthy population. It had not been previously curated by ICSL or reported in the Human Gene Mutation Database (HGMD: prior to June 1st, 2018), and was therefore a candidate for classification through an automated scoring system. Utilizing variant allele frequency, disease prevalence and penetrance estimates, and inheritance mode, an automated score was calculated to assess if this variant is too frequent to cause the disease. Based on the score and internal cut-off values, a variant classified as benign is not then subjected to further curation. The score for this variant resulted in a classification of benign for this disease.

Center for Pediatric Genomic Medicine, Children's Mercy Hospital and Clinics
Classification: Likely benign. Last evaluated: 2017-02-09. Review status: criteria provided, single submitter. Criteria: ACMG Guidelines, 2015. Collection method: clinical testing. Allele origin: germline.
ClinVar note: Converted during submission from Likely Benign to Likely benign.

GeneDx
Classification: Benign. Last evaluated: 2011-10-11. Review status: criteria provided, single submitter. Criteria: GeneDx Variant Classification (06012015). Collection method: clinical testing. Allele origin: germline. Affected: yes.
Comment: This variant is considered likely benign or benign based on one or more of the following criteria: it is a conservative change, it occurs at a poorly conserved position in the protein, it is predicted to be benign by multiple in silico algorithms, and/or has population frequency not consistent with disease.